The following is an entry in ClinVar:

ClinVar aggregate classification (germline): Pathogenic (1 of 4 stars; one submission).

Submission:

Labcorp Genetics (formerly Invitae), Labcorp
Classification: Pathogenic. Last evaluated: 2022-07-05. Review status: criteria provided, single submitter. Criteria: Invitae Variant Classification Sherloc (09022015). Collection method: clinical testing. Allele origin: germline.
Comment: This variant has not been reported in the literature in individuals affected with P3H2-related conditions. For these reasons, this variant has been classified as Pathogenic. ClinVar contains an entry for this variant (Variation ID: 1363412). This variant is present in population databases (rs748303654, gnomAD 0.002%). This sequence change creates a premature translational stop signal (p.Phe546Leufs*3) in the P3H2 gene. It is expected to result in an absent or disrupted protein product. Loss-of-function variants in P3H2 are known to be pathogenic (PMID: 24172257, 25469533).

Literature cited by the submitters: PubMed 24172257; PubMed 25469533.

NM_018192.4(P3H2):c.1638del (p.Phe546fs)

Gene: P3H2 (prolyl 3-hydroxylase 2; minus strand). Cytogenetic location: 3q28.
Variant type: Deletion.
Coding change: c.1638del on transcript NM_018192.4 (MANE Select); coding-DNA position 1638, one base deleted (T; older notation c.1638delT).
Protein change: p.Phe546fs; shifts the reading frame from phenylalanine 546.
Molecular consequence: frameshift variant.
Genome position (GRCh38, 1-based): chr3:189,972,935, A deleted on the plus strand (T on the coding strand, the reverse complement: P3H2 is on the minus strand); the first of 4 consecutive A bases (chr3:189,972,935-189,972,938); deleting any one gives the same sequence. VCF-style (leftmost placement, unchanged base first): chr3-189972934-TA-T. GRCh37 (hg19) VCF-style: chr3-189690723-TA-T.
Other names: c.1095del, p.Phe365fs (NM_001134418.2); short protein forms F546fs, F365fs.
Identifiers: ClinVar variation 1363412 (VCV001363412.6), dbSNP rs748303654, ClinGen allele CA2752831.
Genomic context (GRCh38, chr3:189,972,934, plus strand): 5'-CAGACAGGGCTGTTCGGCAGACCATGTGTGTATAGGAAAAATACAGAGTTGAGTTCAGCA[TA>T]AAATAAGATTCTACAATCCTTCGAGCCTTTTCGCTGATGTCATAAAACAGACGAGCGCTC-3'